The following is an entry in ClinVar:

ClinVar aggregate classification (germline): Uncertain significance (1 of 4 stars; one submission).

Submission:

GeneDx
Classification: Uncertain significance. Last evaluated: 2024-09-28. Review status: criteria provided, single submitter. Criteria: GeneDx Variant Classification Process June 2021. Collection method: clinical testing. Allele origin: germline. Affected: yes.
Comment: Not observed at significant frequency in large population cohorts (gnomAD); In silico analysis supports that this missense variant has a deleterious effect on protein structure/function; Has not been previously published as pathogenic or benign to our knowledge

NM_000419.5(ITGA2B):c.3056G>T (p.Trp1019Leu)

Gene: ITGA2B (integrin subunit alpha 2b; minus strand). Cytogenetic location: 17q21.31.
Variant type: single nucleotide variant.
Coding change: c.3056G>T on transcript NM_000419.5 (MANE Select); coding-DNA position 3056, G replaced by T.
Protein change: p.Trp1019Leu; replaces tryptophan 1019 with leucine.
Molecular consequence: missense variant.
Genome position (GRCh38, 1-based): chr17:44,374,358, C>A on the plus strand (G>T on the coding strand, the complement: ITGA2B is on the minus strand). VCF-style: chr17-44374358-C-A. GRCh37 (hg19) VCF-style: chr17-42451726-C-A.
Other names: short protein forms W1019L.
Identifiers: ClinVar variation 3774796 (VCV003774796.1).